The following is an entry in ClinVar:

NM_000548.5(TSC2):c.3065T>C (p.Leu1022Pro)

Gene: TSC2 (TSC complex subunit 2; plus strand). Cytogenetic location: 16p13.3.
Variant type: single nucleotide variant.
Coding change: c.3065T>C on transcript NM_000548.5 (MANE Select); coding-DNA position 3065, T replaced by C.
Protein change: p.Leu1022Pro; replaces leucine 1022 with proline.
Molecular consequence: missense variant. On other transcripts: non-coding transcript variant (5).
Genome position (GRCh38, 1-based): chr16:2,079,130, T>C. VCF-style: chr16-2079130-T-C. GRCh37 (hg19) VCF-style: chr16-2129131-T-C.
Other names: c.2936T>C, p.Leu979Pro (NM_001370405.1, NM_001363528.2, NM_021055.3); c.2933T>C, p.Leu978Pro (NM_001406665.1, NM_001077183.3, NM_001370404.1); c.3026T>C, p.Leu1009Pro (NM_001406667.1); c.3062T>C, p.Leu1021Pro (NM_001406663.1, NM_001406664.1); c.3023T>C, p.Leu1008Pro (NM_001406668.1); c.2954T>C, p.Leu985Pro (NM_001406670.1); c.2924T>C, p.Leu975Pro (NM_001406671.1); c.2921T>C, p.Leu974Pro (NM_001406673.1); and 18 more; short protein forms L530P, L531P, L778P, L825P, L929P, L930P, L941P, L972P.
Identifiers: ClinVar variation 3637214 (VCV003637214.2).

ClinVar aggregate classification (germline): Uncertain significance (1 of 4 stars; one submission).

Conditions:
Tuberous sclerosis 2 (TSC2). Identifiers: Orphanet 805, MedGen C1860707, MONDO:0013199, OMIM 613254.

Submission:

Labcorp Genetics (formerly Invitae), Labcorp
Classification: Uncertain significance for Tuberous sclerosis 2. Last evaluated: 2025-01-26. Review status: criteria provided, single submitter. Criteria: Invitae Variant Classification Sherloc (09022015). Collection method: clinical testing. Allele origin: germline.
Comment: This sequence change replaces leucine, which is neutral and non-polar, with proline, which is neutral and non-polar, at codon 1022 of the TSC2 protein (p.Leu1022Pro). This variant is not present in population databases (gnomAD no frequency). This variant has not been reported in the literature in individuals affected with TSC2-related conditions. Invitae Evidence Modeling of protein sequence and biophysical properties (such as structural, functional, and spatial information, amino acid conservation, physicochemical variation, residue mobility, and thermodynamic stability) has been performed for this missense variant. However, the output from this modeling did not meet the statistical confidence thresholds required to predict the impact of this variant on TSC2 protein function. In summary, the available evidence is currently insufficient to determine the role of this variant in disease. Therefore, it has been classified as a Variant of Uncertain Significance.